The following is an entry in ClinVar:

ClinVar aggregate classification (germline): Uncertain significance (1 of 4 stars; one submission).

Conditions:
Norman-Roberts syndrome (LIS2). Also called: Lissencephaly 2 (Norman-Roberts type). Identifiers: Orphanet 89844, MedGen C0796089, MONDO:0009760, OMIM 257320.
Familial temporal lobe epilepsy 7. Identifiers: Orphanet 101046, MedGen C4225327, MONDO:0014639, OMIM 616436.

Allele frequency attached by ClinVar (database versions not stated): gnomAD exomes below 0.00001; ExAC 0.00001; ESP Exome Variant Server 0.00008.
gnomAD v4.1: 3 of 1,614,000 alleles (0.00019%); highest among the groups gnomAD compares: African/African-American, 0.004%; no homozygotes.

Submission:

Labcorp Genetics (formerly Invitae), Labcorp
Classification: Uncertain significance for Familial temporal lobe epilepsy 7; Norman-Roberts syndrome. Last evaluated: 2023-08-23. Review status: criteria provided, single submitter. Criteria: Invitae Variant Classification Sherloc (09022015). Collection method: clinical testing. Allele origin: germline.
Comment: This sequence change replaces alanine, which is neutral and non-polar, with serine, which is neutral and polar, at codon 2635 of the RELN protein (p.Ala2635Ser). This variant is present in population databases (rs143751470, gnomAD no frequency). This variant has not been reported in the literature in individuals affected with RELN-related conditions. ClinVar contains an entry for this variant (Variation ID: 1388908). Advanced modeling of protein sequence and biophysical properties (such as structural, functional, and spatial information, amino acid conservation, physicochemical variation, residue mobility, and thermodynamic stability) performed at Invitae indicates that this missense variant is not expected to disrupt RELN protein function. In summary, the available evidence is currently insufficient to determine the role of this variant in disease. Therefore, it has been classified as a Variant of Uncertain Significance.

NM_005045.4(RELN):c.7903G>T (p.Ala2635Ser)

Gene: RELN (reelin; minus strand). Cytogenetic location: 7q22.1.
Variant type: single nucleotide variant.
Coding change: c.7903G>T on transcript NM_005045.4 (MANE Select); coding-DNA position 7903, G replaced by T.
Protein change: p.Ala2635Ser; replaces alanine 2635 with serine.
Molecular consequence: missense variant.
Genome position (GRCh38, 1-based): chr7:103,515,401, C>A on the plus strand (G>T on the coding strand, the complement: RELN is on the minus strand). VCF-style: chr7-103515401-C-A. GRCh37 (hg19) VCF-style: chr7-103155848-C-A.
Other names: c.7903G>T, p.Ala2635Ser (NM_173054.3); short protein forms A2635S.
Identifiers: ClinVar variation 1388908 (VCV001388908.8), dbSNP rs143751470, ClinGen allele CA4420611.